The following is an entry in ClinVar:

ClinVar aggregate classification (germline): Conflicting classifications of pathogenicity. Review status: criteria provided, conflicting classifications (1 of 4 stars). 3 submissions from 3 submitters: Uncertain significance (1); Likely benign (2). Last evaluated 2025-10-27.

Conditions:
Familial thoracic aortic aneurysm and aortic dissection (TAAD). Also called: Thoracic aortic aneurysms and dissections. Identifiers: Orphanet 91387, MedGen C4707243, MONDO:0019625.
Aortic aneurysm, familial thoracic 6 (AAT6). Also called: FAMILIAL THORACIC AORTIC ANEURYSM WITH LIVEDO RETICULARIS AND IRIS FLOCCULI. Identifiers: MedGen C2673186, MONDO:0012730, OMIM 611788.

Submissions (3):

Labcorp Genetics (formerly Invitae), Labcorp
Classification: Likely benign for Aortic aneurysm, familial thoracic 6. Last evaluated: 2025-10-27. Review status: criteria provided, single submitter. Criteria: Invitae Variant Classification Sherloc (09022015). Collection method: clinical testing. Allele origin: germline.

Ambry Genetics
Classification: Uncertain significance for Familial thoracic aortic aneurysm and aortic dissection. Last evaluated: 2025-07-29. Review status: criteria provided, single submitter. Criteria: Ambry Variant Classification Scheme 2023. Collection method: clinical testing. Allele origin: germline.
Comment: The c.455-3delC intronic variant is located 3 nucleotides before coding exon 5 of the ACTA2 gene. This variant results from a deletion of one nucleotide at position c.455-3. This nucleotide position is not well conserved in available vertebrate species. In silico splice site analysis predicts that this alteration will not have any significant effect on splicing. Based on the available evidence, the clinical significance of this variant remains unclear.

Color Diagnostics, LLC DBA Color Health
Classification: Likely benign for Familial thoracic aortic aneurysm and aortic dissection. Last evaluated: 2023-10-11. Review status: criteria provided, single submitter. Criteria: ACMG Guidelines, 2015. Collection method: clinical testing. Allele origin: germline.

NM_001613.4(ACTA2):c.455-3del

Gene: ACTA2 (actin alpha 2, smooth muscle; minus strand). Cytogenetic location: 10q23.31.
Variant type: Deletion.
Coding change: c.455-3del on transcript NM_001613.4 (MANE Select); 3 bases into the intron before coding-DNA position 455, one base deleted (C; older notation c.455-3delC).
Molecular consequence: intron variant.
Genome position (GRCh38, 1-based): chr10:88,941,393, G deleted on the plus strand (C on the coding strand, the reverse complement: ACTA2 is on the minus strand); the first of 3 consecutive G bases (chr10:88,941,393-88,941,395); deleting any one gives the same sequence. VCF-style (leftmost placement, unchanged base first): chr10-88941392-TG-T. GRCh37 (hg19) VCF-style: chr10-90701149-TG-T.
Other names: c.326-3del (NM_001406467.1, NM_001406468.1, NM_001406469.1); c.455-3del (NM_001320855.2, NM_001406462.1, NM_001406471.1 and 3 more transcripts); c.344-3del (NM_001406466.1); c.455-3delC (NM_001613.2).
Identifiers: ClinVar variation 927654 (VCV000927654.16), dbSNP rs1409629545, ClinGen allele CA470734728.
Genomic context (GRCh38, chr10:88,941,392, plus strand): 5'-ATAGCCCTCATAGATGGGGACATTGTGGGTGACACCATCTCCAGAGTCCAGCACGATGCC[TG>T]GGAGACAATTGGGCGTGATAAGTCACCATGGCAGCTGGCATGTGGTTACTTGCTGGACAA-3'